The following is an entry in ClinVar:

NM_001291415.2(KDM6A):c.3682G>A (p.Val1228Ile)

Gene: KDM6A (lysine demethylase 6A; plus strand). Cytogenetic location: Xp11.3.
Variant type: single nucleotide variant.
Coding change: c.3682G>A on transcript NM_001291415.2 (MANE Select); coding-DNA position 3682, G replaced by A.
Protein change: p.Val1228Ile; replaces valine 1228 with isoleucine.
Molecular consequence: missense variant. On other transcripts: non-coding transcript variant (1).
Genome position (GRCh38, 1-based): chrX:45,085,957, G>A. VCF-style: chrX-45085957-G-A. GRCh37 (hg19) VCF-style: chrX-44945202-G-A.
Other names: c.3547G>A, p.Val1183Ile (NM_001291416.2); c.3391G>A, p.Val1131Ile (NM_001291417.2); c.3289G>A, p.Val1097Ile (NM_001291418.2); c.2638G>A, p.Val880Ile (NM_001291421.2); c.3526G>A, p.Val1176Ile (NM_021140.4); short protein forms V1097I, V1131I, V1176I, V1183I, V1228I, V880I.
Identifiers: ClinVar variation 1691857 (VCV001691857.1), dbSNP rs2148169594, ClinGen allele CA412805234.

ClinVar aggregate classification (germline): Likely pathogenic (1 of 4 stars; one submission).

Conditions:
Kabuki syndrome 2 (KABUK2). Also called: KDM6A-Related Kabuki Syndrome. Identifiers: Orphanet 2322, MedGen C3275495, MONDO:0010465, OMIM 300867.

Submission:

Institute of Human Genetics, University of Leipzig Medical Center
Classification: Likely pathogenic for Kabuki syndrome 2. Last evaluated: 2022-05-13. Review status: criteria provided, single submitter. Criteria: ACMG Guidelines, 2015. Collection method: clinical testing. Allele origin: unknown. Affected: yes.
Comment: _x000D_ Criteria applied: PM1, PM2_SUP, PP2, PP3, PP4